The following is an entry in ClinVar:

NM_001540.5(HSPB1):c.208G>A (p.Ala70Thr)

Gene: HSPB1 (heat shock protein family B (small) member 1; plus strand). Cytogenetic location: 7q11.23.
Variant type: single nucleotide variant.
Coding change: c.208G>A on transcript NM_001540.5 (MANE Select); coding-DNA position 208, G replaced by A.
Protein change: p.Ala70Thr; replaces alanine 70 with threonine.
Molecular consequence: missense variant.
Genome position (GRCh38, 1-based): chr7:76,302,920, G>A. VCF-style: chr7-76302920-G-A. GRCh37 (hg19) VCF-style: chr7-75932237-G-A.
Other names: short protein forms A70T.
Identifiers: ClinVar variation 2962667 (VCV002962667.3), dbSNP rs1441245508, ClinGen allele CA367763114.
Genomic context (GRCh38, chr7:76,302,920, plus strand): 5'-AGCTGGCCAGGCTACGTGCGCCCCCTGCCCCCCGCCGCCATCGAGAGCCCCGCAGTGGCC[G>A]CGCCCGCCTACAGCCGCGCGCTCAGCCGGCAACTCAGCAGCGGGGTCTCGGAGATCCGGC-3'
Protein context (NP_001531.1, residues 60-80): PAAIESPAVA[Ala70Thr]PAYSRALSRQ

ClinVar aggregate classification (germline): Uncertain significance (1 of 4 stars; one submission).

Conditions:
Charcot-Marie-Tooth disease axonal type 2F (CMT2F). Also called: Charcot-Marie-Tooth Neuropathy Type 2F; CHARCOT-MARIE-TOOTH DISEASE, NEURONAL, TYPE 2F. Identifiers: Orphanet 99940, MedGen C1847823, MONDO:0011687, OMIM 606595.

Allele frequency attached by ClinVar (database versions not stated): TOPMed 0.00002; gnomAD 0.00003.

Submission:

Labcorp Genetics (formerly Invitae), Labcorp
Classification: Uncertain significance for Charcot-Marie-Tooth disease axonal type 2F. Last evaluated: 2023-10-20. Review status: criteria provided, single submitter. Criteria: Invitae Variant Classification Sherloc (09022015). Collection method: clinical testing. Allele origin: germline.
Comment: This sequence change replaces alanine, which is neutral and non-polar, with threonine, which is neutral and polar, at codon 70 of the HSPB1 protein (p.Ala70Thr). The frequency data for this variant in the population databases is considered unreliable, as metrics indicate poor data quality at this position in the gnomAD database. This variant has not been reported in the literature in individuals affected with HSPB1-related conditions. Advanced modeling of protein sequence and biophysical properties (such as structural, functional, and spatial information, amino acid conservation, physicochemical variation, residue mobility, and thermodynamic stability) has been performed at Invitae for this missense variant, however the output from this modeling did not meet the statistical confidence thresholds required to predict the impact of this variant on HSPB1 protein function. In summary, the available evidence is currently insufficient to determine the role of this variant in disease. Therefore, it has been classified as a Variant of Uncertain Significance.